The following is an entry in ClinVar:

NM_000540.3(RYR1):c.1958A>G (p.Glu653Gly)

Gene: RYR1 (ryanodine receptor 1; plus strand). Cytogenetic location: 19q13.2.
Variant type: single nucleotide variant.
Coding change: c.1958A>G on transcript NM_000540.3 (MANE Select); coding-DNA position 1958, A replaced by G.
Protein change: p.Glu653Gly; replaces glutamic acid 653 with glycine.
Molecular consequence: missense variant.
Genome position (GRCh38, 1-based): chr19:38,458,083, A>G. VCF-style: chr19-38458083-A-G. GRCh37 (hg19) VCF-style: chr19-38948723-A-G.
Other names: c.1958A>G, p.Glu653Gly (NM_001042723.2); short protein forms E653G.
Identifiers: ClinVar variation 2146297 (VCV002146297.5), dbSNP rs1967514048, ClinGen allele CA405695350.
Genomic context (GRCh38, chr19:38,458,083, plus strand): 5'-CCCCTCTCCTGTCCCATCTCTCCTGCAGCATCCGCCCCAACATCTTTGTGGGCCGAGCGG[A>G]AGGCACCACGCAGTACAGCAAATGGTACTTTGAGGTGATGGTGGACGAGGTGACTCCATT-3'
Protein context (NP_000531.2, residues 643-663): IRPNIFVGRA[Glu653Gly]GTTQYSKWYF

ClinVar aggregate classification (germline): Uncertain significance. Review status: criteria provided, multiple submitters, no conflicts (2 of 4 stars). 2 submissions from 2 submitters: Uncertain significance (2). Last evaluated 2025-07-15.

Conditions:
RYR1-related disorder. Also called: RYR1-related condition; RYR1-related disorders. Identifiers: MedGen CN239331.

Allele frequency attached by ClinVar (database versions not stated): gnomAD 0.00001.
gnomAD v4.1: 1 of 1,613,654 alleles (0.000062%); highest among the groups gnomAD compares: Admixed American, 0.0017%; no homozygotes.

Submissions (2):

GeneDx
Classification: Uncertain significance. Last evaluated: 2025-07-15. Review status: criteria provided, single submitter. Criteria: GeneDx Variant Classification Process June 2021. Collection method: clinical testing. Allele origin: germline. Affected: yes.
Comment: Not observed at significant frequency in large population cohorts (gnomAD); In silico analysis supports that this missense variant has a deleterious effect on protein structure/function; Has not been previously published as pathogenic or benign to our knowledge

Labcorp Genetics (formerly Invitae), Labcorp
Classification: Uncertain significance for RYR1-related disorder. Last evaluated: 2022-08-07. Review status: criteria provided, single submitter. Criteria: Invitae Variant Classification Sherloc (09022015). Collection method: clinical testing. Allele origin: germline.
Comment: In summary, the available evidence is currently insufficient to determine the role of this variant in disease. Therefore, it has been classified as a Variant of Uncertain Significance. Advanced modeling of protein sequence and biophysical properties (such as structural, functional, and spatial information, amino acid conservation, physicochemical variation, residue mobility, and thermodynamic stability) performed at Invitae indicates that this missense variant is expected to disrupt RYR1 protein function. This variant has not been reported in the literature in individuals affected with RYR1-related conditions. This variant is not present in population databases (gnomAD no frequency). This sequence change replaces glutamic acid, which is acidic and polar, with glycine, which is neutral and non-polar, at codon 653 of the RYR1 protein (p.Glu653Gly).